The following is an entry in ClinVar:

NM_004006.3(DMD):c.2866C>T (p.Gln956Ter)

Gene: DMD (dystrophin; minus strand). Cytogenetic location: Xp21.1.
Variant type: single nucleotide variant.
Coding change: c.2866C>T on transcript NM_004006.3 (MANE Select); coding-DNA position 2866, C replaced by T.
Protein change: p.Gln956Ter; replaces glutamine 956 with a stop codon.
Molecular consequence: nonsense.
Genome position (GRCh38, 1-based): chrX:32,472,247, G>A on the plus strand (C>T on the coding strand, the complement: DMD is on the minus strand). VCF-style: chrX-32472247-G-A. GRCh37 (hg19) VCF-style: chrX-32490364-G-A.
Other names: c.2842C>T, p.Gln948Ter (NM_000109.4); c.2854C>T, p.Gln952Ter (NM_004009.3); c.2497C>T, p.Gln833Ter (NM_004010.3); short protein forms Q956*, Q948*, Q833*, Q952*.
Identifiers: ClinVar variation 94542 (VCV000094542.19), dbSNP rs398123912, ClinGen allele CA266961.

ClinVar aggregate classification (germline): Pathogenic. Review status: criteria provided, multiple submitters, no conflicts (2 of 4 stars). 4 submissions from 4 submitters: Pathogenic (4). Last evaluated 2025-10-07.

Conditions:
Becker muscular dystrophy, Cardiomyopathy, Duchenne muscular dystrophy, Dystrophin deficiency.
Duchenne muscular dystrophy (DMD). Also called: Duchenne Muscular Dystrophy (DMD); MUSCULAR DYSTROPHY, PSEUDOHYPERTROPHIC PROGRESSIVE, DUCHENNE TYPE. Identifiers: Orphanet 98896, MedGen C0013264, MONDO:0010679, OMIM 310200.
Abnormality of the musculature. Identifiers: MedGen C4021745, HP:0003011.

Submissions (4):

Natera, Inc.
Classification: Pathogenic for Becker muscular dystrophy, Cardiomyopathy, Duchenne muscular dystrophy, Dystrophin deficiency. Last evaluated: 2025-10-07. Review status: criteria provided, single submitter. Criteria: Natera Variant Classification Schema (03/2026). Collection method: clinical testing. Allele origin: germline.
Comment: The c.2866C>T variant in DMD is a nonsense variant predicted to introduce a stop codon at amino acid 956. This variant is expected to result in nonsense mediated decay, truncation, or a dysfunctional protein product. This variant is rare in the general population with a frequency below the threshold expected for the associated phenotype(s). This variant has been observed in affected individual(s) with monoallelic occurrence (heterozygous/hemizygous) (PMID: 34327855). Given the available evidence, this variant is classified as Pathogenic.

Labcorp Genetics (formerly Invitae), Labcorp
Classification: Pathogenic for Duchenne muscular dystrophy. Last evaluated: 2025-02-09. Review status: criteria provided, single submitter. Criteria: Invitae Variant Classification Sherloc (09022015). Collection method: clinical testing. Allele origin: germline.
Comment: This sequence change creates a premature translational stop signal (p.Gln956*) in the DMD gene. It is expected to result in an absent or disrupted protein product. Loss-of-function variants in DMD are known to be pathogenic (PMID: 16770791, 25007885). This variant is not present in population databases (gnomAD no frequency). This premature translational stop signal has been observed in individual(s) with Duchenne muscular dystrophy (PMID: 17259292). ClinVar contains an entry for this variant (Variation ID: 94542). Algorithms developed to predict the effect of sequence changes on RNA splicing suggest that this variant may disrupt the consensus splice site. For these reasons, this variant has been classified as Pathogenic.

Revvity Omics, Revvity
Classification: Pathogenic. Last evaluated: 2024-07-17. Review status: criteria provided, single submitter. Criteria: ACMG Guidelines, 2015. Collection method: clinical testing. Allele origin: germline.

Kariminejad - Najmabadi Pathology & Genetics Center
Classification: Pathogenic for Abnormality of the musculature. Last evaluated: 2021-07-10. Review status: criteria provided, single submitter. Criteria: ACMG Guidelines, 2015. Collection method: clinical testing. Allele origin: germline. Affected: yes.

Literature cited by the submitters: PubMed 34327855 (cited by Natera, Inc.); PubMed 16770791 (cited by Labcorp Genetics (formerly Invitae), Labcorp); PubMed 25007885 (cited by Labcorp Genetics (formerly Invitae), Labcorp); PubMed 17259292 (cited by Labcorp Genetics (formerly Invitae), Labcorp).